The following is an entry in ClinVar:

NM_001388492.1(HTT):c.295C>G (p.Arg99Gly)

Gene: HTT (huntingtin; plus strand). Cytogenetic location: 4p16.3.
Variant type: single nucleotide variant.
Coding change: c.295C>G on transcript NM_001388492.1 (MANE Select); coding-DNA position 295, C replaced by G.
Protein change: p.Arg99Gly; replaces arginine 99 with glycine.
Molecular consequence: missense variant.
Genome position (GRCh38, 1-based): chr4:3,086,970, C>G. VCF-style: chr4-3086970-C-G. GRCh37 (hg19) VCF-style: chr4-3088697-C-G.
Other names: c.301C>G, p.Arg101Gly (NM_002111.8); short protein forms R101G, R99G.
Identifiers: ClinVar variation 1508919 (VCV001508919.6), dbSNP rs770370500, ClinGen allele CA356081906.

ClinVar aggregate classification (germline): Uncertain significance (1 of 4 stars; one submission).

Submission:

Labcorp Genetics (formerly Invitae), Labcorp
Classification: Uncertain significance. Last evaluated: 2022-03-19. Review status: criteria provided, single submitter. Criteria: Invitae Variant Classification Sherloc (09022015). Collection method: clinical testing. Allele origin: germline.
Comment: This sequence change replaces arginine, which is basic and polar, with glycine, which is neutral and non-polar, at codon 101 of the HTT protein (p.Arg101Gly). This variant is not present in population databases (gnomAD no frequency). This variant has not been reported in the literature in individuals affected with HTT-related conditions. Experimental studies and prediction algorithms are not available or were not evaluated, and the functional significance of this variant is currently unknown. In summary, the available evidence is currently insufficient to determine the role of this variant in disease. Therefore, it has been classified as a Variant of Uncertain Significance.